The following is an entry in ClinVar:

ClinVar aggregate classification (germline): Likely benign (1 of 4 stars; one submission).

Allele frequency attached by ClinVar (database versions not stated): gnomAD exomes below 0.00001.
gnomAD v4.1: 1 of 1,614,192 alleles (0.000062%); highest among the groups gnomAD compares: Non-Finnish European, 0.000085%; no homozygotes.

Submission:

CeGaT Center for Human Genetics Tuebingen
Classification: Likely benign. Last evaluated: 2022-12-01. Review status: criteria provided, single submitter. Criteria: CeGaT Center For Human Genetics Tuebingen Variant Classification Criteria Version 2. Collection method: clinical testing. Allele origin: germline. Affected: yes. Observed: 1 variant allele.
Comment: ARHGEF10: BP4, BP7

NM_014629.4(ARHGEF10):c.1833T>C (p.Ser611=)

Gene: ARHGEF10 (Rho guanine nucleotide exchange factor 10; plus strand). Cytogenetic location: 8p23.3.
Variant type: single nucleotide variant.
Coding change: c.1833T>C on transcript NM_014629.4 (MANE Select); coding-DNA position 1833, T replaced by C.
Protein change: p.Ser611=; no amino-acid change (serine 611 retained).
Molecular consequence: synonymous variant.
Genome position (GRCh38, 1-based): chr8:1,905,582, T>C. VCF-style: chr8-1905582-T-C. GRCh37 (hg19) VCF-style: chr8-1853748-T-C.
Other names: c.1719T>C, p.Ser573= (NM_001308152.2); c.1833T>C, p.Ser611= (NM_001308153.3).
Identifiers: ClinVar variation 2658302 (VCV002658302.24), dbSNP rs1448908357, ClinGen allele CA459053245.
Genomic context (GRCh38, chr8:1,905,582, plus strand): 5'-TTCCGGGTAAACTGAACTGTGGTCCCTGGGCTGTGTTTTGAATGTCCAGCTTCTCAGCAG[T>C]GGAAGCCGATACCTCATTCGATCAGATGATATGATAGAAACAGTTTACAACGACAGAGGA-3'
Protein context (NP_055444.2, residues 601-621): NERYLNKLLS[Ser611=]GSRYLIRSDD